The following is an entry in ClinVar:

ClinVar aggregate classification (germline): Uncertain significance (1 of 4 stars; one submission).

Conditions:
Cohen syndrome (COH1). Also called: PEPPER SYNDROME; Cutis verticis gyrata, retinitis pigmentosa, and sensorineural deafness. Identifiers: Orphanet 193, MedGen C0265223, MONDO:0008999, OMIM 216550.

Submission:

Labcorp Genetics (formerly Invitae), Labcorp
Classification: Uncertain significance for Cohen syndrome. Last evaluated: 2022-03-24. Review status: criteria provided, single submitter. Criteria: Invitae Variant Classification Sherloc (09022015). Collection method: clinical testing. Allele origin: germline.
Comment: In summary, the available evidence is currently insufficient to determine the role of this variant in disease. Therefore, it has been classified as a Variant of Uncertain Significance. Algorithms developed to predict the effect of missense changes on protein structure and function are either unavailable or do not agree on the potential impact of this missense change (SIFT: "Not Available"; PolyPhen-2: "Possibly Damaging"; Align-GVGD: "Not Available"). This variant has not been reported in the literature in individuals affected with VPS13B-related conditions. This variant is not present in population databases (gnomAD no frequency). This sequence change replaces leucine, which is neutral and non-polar, with valine, which is neutral and non-polar, at codon 2406 of the VPS13B protein (p.Leu2406Val).

NM_152564.5(VPS13B):c.7141C>G (p.Leu2381Val)

Gene: VPS13B (vacuolar protein sorting 13 homolog B; plus strand). Cytogenetic location: 8q22.2.
Variant type: single nucleotide variant.
Coding change: c.7141C>G on transcript NM_152564.5 (MANE Select); coding-DNA position 7141, C replaced by G.
Protein change: p.Leu2381Val; replaces leucine 2381 with valine.
Molecular consequence: missense variant.
Genome position (GRCh38, 1-based): chr8:99,766,864, C>G. VCF-style: chr8-99766864-C-G. GRCh37 (hg19) VCF-style: chr8-100779092-C-G.
Other names: c.7216C>G, p.Leu2406Val (NM_017890.5); short protein forms L2406V, L2381V.
Identifiers: ClinVar variation 2039156 (VCV002039156.3), dbSNP rs2491774347, ClinGen allele CA371874255.